The following is an entry in ClinVar:

NM_005996.4(TBX3):c.1228A>G (p.Lys410Glu)

Gene: TBX3 (T-box transcription factor 3; minus strand). Cytogenetic location: 12q24.21.
Variant type: single nucleotide variant.
Coding change: c.1228A>G on transcript NM_005996.4 (MANE Select); coding-DNA position 1228, A replaced by G.
Protein change: p.Lys410Glu; replaces lysine 410 with glutamic acid.
Molecular consequence: missense variant.
Genome position (GRCh38, 1-based): chr12:114,674,647, T>C on the plus strand (A>G on the coding strand, the complement: TBX3 is on the minus strand). VCF-style: chr12-114674647-T-C. GRCh37 (hg19) VCF-style: chr12-115112452-T-C.
Other names: c.1288A>G, p.Lys430Glu (NM_016569.4); short protein forms K410E, K430E.
Identifiers: ClinVar variation 3252289 (VCV003252289.1), dbSNP rs2499787667.

ClinVar aggregate classification (germline): Uncertain significance (1 of 4 stars; one submission).

Submission:

GeneDx
Classification: Uncertain significance. Last evaluated: 2024-05-03. Review status: criteria provided, single submitter. Criteria: GeneDx Variant Classification Process June 2021. Collection method: clinical testing. Allele origin: germline. Affected: yes.
Comment: Not observed at significant frequency in large population cohorts (gnomAD); In silico analysis indicates that this missense variant does not alter protein structure/function; Has not been previously published as pathogenic or benign to our knowledge